The following is an entry in ClinVar:

NM_018129.4(PNPO):c.4A>G (p.Thr2Ala)

Gene: PNPO (pyridoxamine 5'-phosphate oxidase; plus strand). Cytogenetic location: 17q21.32.
Variant type: single nucleotide variant.
Coding change: c.4A>G on transcript NM_018129.4 (MANE Select); coding-DNA position 4, A replaced by G.
Protein change: p.Thr2Ala; replaces threonine 2 with alanine.
Molecular consequence: missense variant.
Genome position (GRCh38, 1-based): chr17:47,941,679, A>G. VCF-style: chr17-47941679-A-G. GRCh37 (hg19) VCF-style: chr17-46019045-A-G.
Other names: short protein forms T2A.
Identifiers: ClinVar variation 854911 (VCV000854911.9), dbSNP rs2035936049, ClinGen allele CA400054542.

ClinVar aggregate classification (germline): Uncertain significance (1 of 4 stars; one submission).

Conditions:
Pyridoxal phosphate-responsive seizures (PNPOD). Also called: Pyridoxine-5'-phosphate oxidase deficiency; SEIZURES, PYRIDOXINE-RESISTANT, PLP-SENSITIVE; EPILEPTIC ENCEPHALOPATHY, NEONATAL, PNPO-RELATED; Pyridoxamine 5-Prime-Phosphate Oxidase Deficiency; Pyridoxal 5'-Phosphate (PLP)-Dependent Epilepsy. Identifiers: Orphanet 79096, MedGen C1864723, MONDO:0012407, OMIM 610090. Disease mechanism: loss of function.

Submission:

Labcorp Genetics (formerly Invitae), Labcorp
Classification: Uncertain significance for Pyridoxal phosphate-responsive seizures. Last evaluated: 2025-09-02. Review status: criteria provided, single submitter. Criteria: Invitae Variant Classification Sherloc (09022015). Collection method: clinical testing. Allele origin: germline.
Comment: This sequence change replaces threonine, which is neutral and polar, with alanine, which is neutral and non-polar, at codon 2 of the PNPO protein (p.Thr2Ala). This variant is not present in population databases (gnomAD no frequency). This variant has not been reported in the literature in individuals affected with PNPO-related conditions. ClinVar contains an entry for this variant (Variation ID: 854911). An algorithm developed to predict the effect of missense changes on protein structure and function (PolyPhen-2) suggests that this variant is likely to be tolerated. In summary, the available evidence is currently insufficient to determine the role of this variant in disease. Therefore, it has been classified as a Variant of Uncertain Significance.